The following is an entry in ClinVar:

NM_003238.6(TGFB2):c.1239C>A (p.Cys413Ter)

Gene: TGFB2 (transforming growth factor beta 2; plus strand). Cytogenetic location: 1q41.
Variant type: single nucleotide variant.
Coding change: c.1239C>A on transcript NM_003238.6 (MANE Select); coding-DNA position 1239, C replaced by A.
Protein change: p.Cys413Ter; replaces cysteine 413 with a stop codon.
Molecular consequence: nonsense. On other transcripts: non-coding transcript variant (2).
Genome position (GRCh38, 1-based): chr1:218,441,356, C>A. VCF-style: chr1-218441356-C-A. GRCh37 (hg19) VCF-style: chr1-218614698-C-A.
Other names: c.1323C>A, p.Cys441Ter (NM_001135599.4); short protein forms C413*, C441*.
Identifiers: ClinVar variation 4686182 (VCV004686182.2).
Genomic context (GRCh38, chr1:218,441,356, plus strand): 5'-CATTGGCAAAACACCCAAGATTGAACAGCTTTCTAATATGATTGTAAAGTCTTGCAAATG[C>A]AGCTAAAATTCTTGGAAAAGTGGCAAGACCAAAATGACAATGATGATGATAATGATGATG-3'

ClinVar aggregate classification (germline): Likely pathogenic (1 of 4 stars; one submission).

Submission:

GeneDx
Classification: Likely pathogenic. Last evaluated: 2026-03-09. Review status: criteria provided, single submitter. Criteria: GeneDx Variant Classification Process June 2021. Collection method: clinical testing. Allele origin: germline.
Comment: Nonsense variant predicted to result in protein truncation as the last 2 amino acid(s) are lost; Not observed at significant frequency in large population cohorts (gnomAD); Has not been previously published as pathogenic or benign to our knowledge